The following is an entry in ClinVar:

NM_030962.4(SBF2):c.1327G>C (p.Val443Leu)

Gene: SBF2 (SET binding factor 2; minus strand). Cytogenetic location: 11p15.4.
Variant type: single nucleotide variant.
Coding change: c.1327G>C on transcript NM_030962.4 (MANE Select); coding-DNA position 1327, G replaced by C.
Protein change: p.Val443Leu; replaces valine 443 with leucine.
Molecular consequence: missense variant.
Genome position (GRCh38, 1-based): chr11:9,989,565, C>G on the plus strand (G>C on the coding strand, the complement: SBF2 is on the minus strand). VCF-style: chr11-9989565-C-G. GRCh37 (hg19) VCF-style: chr11-10011112-C-G.
Other names: c.1327G>C, p.Val443Leu (NM_001386339.1); c.1198G>C, p.Val400Leu (NM_001386342.1); short protein forms V443L, V400L.
Identifiers: ClinVar variation 234917 (VCV000234917.10), dbSNP rs765958389, ClinGen allele CA5881858.

ClinVar aggregate classification (germline): Uncertain significance. Review status: criteria provided, multiple submitters, no conflicts (2 of 4 stars). 3 submissions from 3 submitters: Uncertain significance (3). Last evaluated 2024-04-30.

Conditions:
Inborn genetic diseases. Identifiers: MedGen C0950123, MeSH D030342.
Charcot-Marie-Tooth disease type 4. Also called: Charcot-Marie-Tooth disease, type IV; Charcot-Marie-Tooth, Type 4. Identifiers: Orphanet 64749, MedGen C4082197, MONDO:0018995.

Allele frequency attached by ClinVar (database versions not stated): gnomAD 0.00002; TOPMed 0.00002; ExAC 0.00003; gnomAD exomes 0.00005.
gnomAD v4.1: 39 of 1,609,278 alleles (0.0024%); highest among the groups gnomAD compares: Non-Finnish European, 0.00051%; no homozygotes.

Submissions (3):

GeneDx
Classification: Uncertain significance. Last evaluated: 2024-04-30. Review status: criteria provided, single submitter. Criteria: GeneDx Variant Classification Process June 2021. Collection method: clinical testing. Allele origin: germline. Affected: yes.
Comment: In silico analysis indicates that this missense variant does not alter protein structure/function; Has not been previously published as pathogenic or benign to our knowledge

Labcorp Genetics (formerly Invitae), Labcorp
Classification: Uncertain significance for Charcot-Marie-Tooth disease type 4. Last evaluated: 2022-10-26. Review status: criteria provided, single submitter. Criteria: Invitae Variant Classification Sherloc (09022015). Collection method: clinical testing. Allele origin: germline.
Comment: This sequence change replaces valine, which is neutral and non-polar, with leucine, which is neutral and non-polar, at codon 443 of the SBF2 protein (p.Val443Leu). This variant is present in population databases (rs765958389, gnomAD 0.1%). This variant has not been reported in the literature in individuals affected with SBF2-related conditions. ClinVar contains an entry for this variant (Variation ID: 234917). Advanced modeling of protein sequence and biophysical properties (such as structural, functional, and spatial information, amino acid conservation, physicochemical variation, residue mobility, and thermodynamic stability) performed at Invitae indicates that this missense variant is not expected to disrupt SBF2 protein function. In summary, the available evidence is currently insufficient to determine the role of this variant in disease. Therefore, it has been classified as a Variant of Uncertain Significance.

Ambry Genetics
Classification: Uncertain significance for Inborn genetic diseases. Last evaluated: 2021-11-24. Review status: criteria provided, single submitter. Criteria: Ambry Variant Classification Scheme 2023. Collection method: clinical testing. Allele origin: germline.
Comment: The p.V443L variant (also known as c.1327G>C), located in coding exon 13 of the SBF2 gene, results from a G to C substitution at nucleotide position 1327. The valine at codon 443 is replaced by leucine, an amino acid with highly similar properties. This amino acid position is conserved. In addition, this alteration is predicted to be tolerated by in silico analysis. Since supporting evidence is limited at this time, the clinical significance of this alteration remains unclear.